The following is an entry in ClinVar:

NM_000059.4(BRCA2):c.5881A>G (p.Ser1961Gly)

Gene: BRCA2 (BRCA2 DNA repair associated; plus strand). Cytogenetic location: 13q13.1.
Variant type: single nucleotide variant.
Coding change: c.5881A>G on transcript NM_000059.4 (MANE Select); coding-DNA position 5881, A replaced by G.
Protein change: p.Ser1961Gly; replaces serine 1961 with glycine.
Molecular consequence: missense variant. On other transcripts: non-coding transcript variant (1), intron variant (2).
Genome position (GRCh38, 1-based): chr13:32,340,236, A>G. VCF-style: chr13-32340236-A-G. GRCh37 (hg19) VCF-style: chr13-32914373-A-G.
Other names: c.5881A>G, p.Ser1961Gly (NM_001406719.1, NM_001406720.1, NM_001432077.1); c.1910-4322A>G (NM_001406721.1); c.425-4322A>G (NM_001406722.1); short protein forms S1961G.
Identifiers: ClinVar variation 3636501 (VCV003636501.2).
Genomic context (GRCh38, chr13:32,340,236, plus strand): 5'-AAAGTTTCTAAAATATCACCTTGTGATGTTAGTTTGGAAACTTCAGATATATGTAAATGT[A>G]GTATAGGGAAGCTTCATAAGTCAGTCTCATCTGCAAATACTTGTGGGATTTTTAGCACAG-3'
Protein context (NP_000050.3, residues 1951-1971): SLETSDICKC[Ser1961Gly]IGKLHKSVSS

ClinVar aggregate classification (germline): Uncertain significance (1 of 4 stars; one submission).

Conditions:
Hereditary breast ovarian cancer syndrome. Also called: Hereditary breast and ovarian cancer syndrome; Hereditary breast and ovarian cancer syndrome (HBOC); BRCA1- and BRCA2-Associated Hereditary Breast and Ovarian Cancer; Hereditary breast and ovarian cancer; Breast and ovarian cancer; Hereditary breast and/or ovarian cancer syndrome. Identifiers: Orphanet 145, MedGen C0677776, MeSH D061325, MONDO:0003582. Disease mechanism: loss of function.

Submission:

Labcorp Genetics (formerly Invitae), Labcorp
Classification: Uncertain significance for Hereditary breast ovarian cancer syndrome. Last evaluated: 2024-10-08. Review status: criteria provided, single submitter. Criteria: Invitae Variant Classification Sherloc (09022015). Collection method: clinical testing. Allele origin: germline.
Comment: This sequence change replaces serine, which is neutral and polar, with glycine, which is neutral and non-polar, at codon 1961 of the BRCA2 protein (p.Ser1961Gly). This variant is not present in population databases (gnomAD no frequency). This variant has not been reported in the literature in individuals affected with BRCA2-related conditions. Invitae Evidence Modeling of protein sequence and biophysical properties (such as structural, functional, and spatial information, amino acid conservation, physicochemical variation, residue mobility, and thermodynamic stability) indicates that this missense variant is not expected to disrupt BRCA2 protein function with a negative predictive value of 95%. In summary, the available evidence is currently insufficient to determine the role of this variant in disease. Therefore, it has been classified as a Variant of Uncertain Significance.